The following is an entry in ClinVar:

NM_030653.4(DDX11):c.502_505del (p.Glu168fs)

Gene: DDX11 (DEAD/H-box helicase 11; plus strand). Cytogenetic location: 12p11.21.
Variant type: Microsatellite.
Coding change: c.502_505del on transcript NM_030653.4 (MANE Select); coding-DNA positions 502 to 505, 4 bases deleted (GAGA; older notation c.502_505delGAGA).
Protein change: p.Glu168fs; shifts the reading frame from glutamic acid 168.
Molecular consequence: frameshift variant. On other transcripts: 5 prime UTR variant (5), non-coding transcript variant (4).
Genome position (GRCh38, 1-based): chr12:31,084,990-31,084,993, GAGA deleted; deleting any 4 consecutive bases within chr12:31,084,987-31,084,993 gives the same sequence; the c. name uses the placement nearest the transcript's 3' end. VCF-style (leftmost placement, unchanged base first): chr12-31084986-AAGAG-A. GRCh37 (hg19) VCF-style: chr12-31237920-AAGAG-A.
Other names: c.502_505del, p.Glu168fs (NM_001257144.2, NM_001413692.1, NM_001413693.1 and 5 more transcripts); c.424_427del, p.Glu142fs (NM_001257145.2, NM_001413697.1, NM_001413698.1 and 1 more transcripts); c.415_418del, p.Glu139fs (NM_001413700.1); c.-29GA[1] (NM_001413702.1, NM_001413703.1); c.-561GA[1] (NM_001413704.1, NM_001413705.1); c.-379GA[1] (NM_001413706.1); short protein forms E139fs, E142fs, E168fs.
Identifiers: ClinVar variation 3767633 (VCV003767633.1).

ClinVar aggregate classification (germline): Likely pathogenic (1 of 4 stars; one submission).

Submission:

GeneDx
Classification: Likely pathogenic. Last evaluated: 2024-09-10. Review status: criteria provided, single submitter. Criteria: GeneDx Variant Classification Process June 2021. Collection method: clinical testing. Allele origin: germline. Affected: yes.
Comment: Frameshift variant predicted to result in protein truncation or nonsense mediated decay in a gene for which loss of function is a known mechanism of disease; Not observed at significant frequency in large population cohorts (gnomAD); Has not been previously published as pathogenic or benign to our knowledge